The following is an entry in ClinVar:

NM_001364905.1(LRBA):c.2075A>G (p.Asn692Ser)

Gene: LRBA (LPS responsive beige-like anchor protein; minus strand). Cytogenetic location: 4q31.3.
Variant type: single nucleotide variant.
Coding change: c.2075A>G on transcript NM_001364905.1 (MANE Select); coding-DNA position 2075, A replaced by G.
Protein change: p.Asn692Ser; replaces asparagine 692 with serine.
Molecular consequence: missense variant.
Genome position (GRCh38, 1-based): chr4:150,893,142, T>C on the plus strand (A>G on the coding strand, the complement: LRBA is on the minus strand). VCF-style: chr4-150893142-T-C. GRCh37 (hg19) VCF-style: chr4-151814294-T-C.
Other names: c.2075A>G, p.Asn692Ser (NM_001199282.3, NM_001367550.1, NM_006726.5); short protein forms N692S.
Identifiers: ClinVar variation 1427311 (VCV001427311.8), dbSNP rs769457093, ClinGen allele CA3103360.
Genomic context (GRCh38, chr4:150,893,142, plus strand): 5'-ATCATAGAGTTAGGGTGTTCTGACATTAATGCAACAAGCAGCTGTAGGACATCCATTAGA[T>C]TGTCATCCTATAATCATTTTAGAAATTTTTTTTAAAAAATGAGGAAAAAACAACTTAGTT-3'
Protein context (NP_001351834.1, residues 682-702): NYLLTMHEDD[Asn692Ser]LMDVLQLLVA

ClinVar aggregate classification (germline): Uncertain significance (1 of 4 stars; one submission).

Conditions:
Combined immunodeficiency due to LRBA deficiency. Also called: Common variable immunodeficiency 8, with autoimmunity. Identifiers: Orphanet 445018, MedGen C3553512, MONDO:0013863, OMIM 614700.

Allele frequency attached by ClinVar (database versions not stated): TOPMed below 0.00001; gnomAD exomes 0.00001; ExAC 0.00002.
gnomAD v4.1: 9 of 1,597,394 alleles (0.00056%); highest among the groups gnomAD compares: Non-Finnish European, 0.00077%; no homozygotes.

Submission:

Labcorp Genetics (formerly Invitae), Labcorp
Classification: Uncertain significance for Combined immunodeficiency due to LRBA deficiency. Last evaluated: 2024-01-29. Review status: criteria provided, single submitter. Criteria: Invitae Variant Classification Sherloc (09022015). Collection method: clinical testing. Allele origin: germline.
Comment: This sequence change replaces asparagine, which is neutral and polar, with serine, which is neutral and polar, at codon 692 of the LRBA protein (p.Asn692Ser). This variant is present in population databases (rs769457093, gnomAD 0.002%). This variant has not been reported in the literature in individuals affected with LRBA-related conditions. ClinVar contains an entry for this variant (Variation ID: 1427311). Advanced modeling of protein sequence and biophysical properties (such as structural, functional, and spatial information, amino acid conservation, physicochemical variation, residue mobility, and thermodynamic stability) performed at Invitae indicates that this missense variant is expected to disrupt LRBA protein function with a positive predictive value of 80%. In summary, the available evidence is currently insufficient to determine the role of this variant in disease. Therefore, it has been classified as a Variant of Uncertain Significance.